The following is an entry in ClinVar:

NM_000548.5(TSC2):c.5394C>T (p.Ser1798=)

Gene: TSC2 (TSC complex subunit 2; plus strand). Cytogenetic location: 16p13.3.
Variant type: single nucleotide variant.
Coding change: c.5394C>T on transcript NM_000548.5 (MANE Select); coding-DNA position 5394, C replaced by T.
Protein change: p.Ser1798=; no amino-acid change (serine 1798 retained).
Molecular consequence: synonymous variant.
Genome position (GRCh38, 1-based): chr16:2,088,580, C>T. VCF-style: chr16-2088580-C-T. GRCh37 (hg19) VCF-style: chr16-2138581-C-T.
Other names: c.5394C>T (NM_000548.3); c.5193C>T, p.Ser1731= (NM_001077183.3); c.5325C>T, p.Ser1775= (NM_001114382.3); c.5085C>T, p.Ser1695= (NM_001318827.2); c.5049C>T, p.Ser1683= (NM_001318829.2); c.4662C>T, p.Ser1554= (NM_001318831.2); c.5226C>T, p.Ser1742= (NM_001318832.2); c.5196C>T, p.Ser1732= (NM_001363528.2); and 3 more.
Identifiers: ClinVar variation 1079904 (VCV001079904.11), dbSNP rs2151642575, ClinGen allele CA493043819.

ClinVar aggregate classification (germline): Benign/Likely benign. Review status: criteria provided, multiple submitters, no conflicts (2 of 4 stars). 3 submissions from 3 submitters: Benign (1); Likely benign (2). Last evaluated 2025-09-03.

Conditions:
Hereditary cancer-predisposing syndrome. Also called: Neoplastic Syndromes, Hereditary; Hereditary neoplastic syndrome; Hereditary Cancer Syndrome; Tumor predisposition. Identifiers: Orphanet 140162, MedGen C0027672, MeSH D009386, MONDO:0015356.
Tuberous sclerosis 2 (TSC2). Identifiers: Orphanet 805, MedGen C1860707, MONDO:0013199, OMIM 613254.

gnomAD v4.1: 3 of 1,608,352 alleles (0.00019%); highest among the groups gnomAD compares: African/African-American, 0.0013%; no homozygotes.

Submissions (3):

Labcorp Genetics (formerly Invitae), Labcorp
Classification: Likely benign for Tuberous sclerosis 2. Last evaluated: 2025-09-03. Review status: criteria provided, single submitter. Criteria: Invitae Variant Classification Sherloc (09022015). Collection method: clinical testing. Allele origin: germline.

Myriad Genetics, Inc.
Classification: Benign for Tuberous sclerosis 2. Last evaluated: 2025-06-09. Review status: criteria provided, single submitter. Criteria: Myriad Autosomal Dominant, Autosomal Recessive and X-Linked Classification Criteria (2023). Collection method: clinical testing. Allele origin: unknown.
Comment: This variant is considered benign. This variant is a silent/synonymous amino acid change and it is not expected to impact splicing.

Ambry Genetics
Classification: Likely benign for Hereditary cancer-predisposing syndrome. Last evaluated: 2025-05-31. Review status: criteria provided, single submitter. Criteria: Ambry Variant Classification Scheme 2023. Collection method: clinical testing. Allele origin: germline.